The following is an entry in ClinVar:

ClinVar aggregate classification (germline): Likely benign. Review status: criteria provided, multiple submitters, no conflicts (2 of 4 stars). 4 submissions from 4 submitters: Likely benign (2). 2 of the submissions do not count toward it. Last evaluated 2025-09-14.

Conditions:
Polycystic kidney disease. Also called: Kidney, Polycystic; Polycystic kidney dysplasia. Identifiers: MedGen C0022680, MeSH D007690, MONDO:0020642, HP:0000113.
PKD1-related disorder. Also called: PKD1-related condition.

Allele frequency attached by ClinVar (database versions not stated): gnomAD exomes 0.00067; ExAC 0.00087; ESP Exome Variant Server 0.00209; gnomAD 0.00261 and 0.00276; 1000 Genomes Project 0.00280; 1000 Genomes Project 30x 0.00281; TOPMed 0.00313.
gnomAD v4.1: 785 of 1,595,572 alleles (0.049%); highest among the groups gnomAD compares: African/African-American, 0.95%; 5 homozygotes.

Submissions (4):

Mayo Clinic Laboratories, Mayo Clinic
Classification: Likely benign. Last evaluated: 2025-09-14. Review status: criteria provided, single submitter. Criteria: ACMG Guidelines, 2015. Collection method: clinical testing. Allele origin: germline. Observed: 2 variant alleles.
Comment: BS1, BP4

Blueprint Genetics
Classification: Likely benign. Last evaluated: 2024-09-11. Review status: criteria provided, single submitter. Criteria: ACMG Guidelines, 2015. Collection method: clinical testing. Allele origin: germline.

PreventionGenetics, part of Exact Sciences
Classification: Benign for PKD1-related condition. Last evaluated: 2019-10-30. Review status: no assertion criteria provided. Collection method: clinical testing. Allele origin: germline. Not counted in ClinVar's aggregate classification.
Comment: This variant is classified as benign based on ACMG/AMP sequence variant interpretation guidelines (Richards et al. 2015 PMID: 25741868, with internal and published modifications).

Department of Pathology and Laboratory Medicine, Sinai Health System
Classification: Likely benign for Polycystic Kidney disease. Review status: no assertion criteria provided. Collection method: clinical testing. Allele origin: unknown. Affected: yes. Study: The Canadian Open Genetics Repository (COGR). Not counted in ClinVar's aggregate classification.
Comment: The PKD1 p.Pro839Ser variant was not identified in the literature nor was it identified in the ClinVar, LOVD 3.0, or PKD1-LOVD databases. The variant was also identified in dbSNP (ID: rs146651553) as â€šÃ„ÃºNAâ€šÃ„Ã¹, and the ADPKD Mutation Database (as likely neutral). The variant was identified in control databases in 230 of 252932 chromosomes at a frequency of 0.000909 (2 homozygous) in the following populations: African in 212 of 21670 chromosomes (freq. 0.0097), other in 2 of 6072 chromosomes (freq. 0.00032), Latino in 10 of 33814 chromosomes (freq. 0.0003), European in 6 of 118156 chromosomes (freq. 0.00005), increasing the likelihood this could be a low frequency variant in some populations (Genome Aggregation Consortium Feb 27, 2017). In addition we cannot be certain that data from control databases is specific to PKD1 and not from one of the six PKD1 pseudogenes. The p.Pro839 residue is not conserved in mammals and four out of five computational analyses (PolyPhen-2, SIFT, AlignGVGD, BLOSUM, MutationTaster) do not suggest a high likelihood of impact to the protein; however, this information is not predictive enough to rule out pathogenicity. The variant occurs outside of the splicing consensus sequence and in silico or computational prediction software programs (SpliceSiteFinder, MaxEntScan, NNSPLICE, GeneSplicer, HumanSpliceFinder) do not predict a difference in splicing. The variant is located with the Polycystin cation channel functional domain. In summary, based on the above information the clinical significance of this variant cannot be determined with certainty at this time although we would lean towards a more benign role for this variant. This variant is classified as likely benign.

NM_001009944.3(PKD1):c.2515C>T (p.Pro839Ser)

Gene: PKD1 (polycystin 1, transient receptor potential channel interacting; minus strand). Cytogenetic location: 16p13.3.
Variant type: single nucleotide variant.
Coding change: c.2515C>T on transcript NM_001009944.3 (MANE Select); coding-DNA position 2515, C replaced by T.
Protein change: p.Pro839Ser; replaces proline 839 with serine.
Molecular consequence: missense variant.
Genome position (GRCh38, 1-based): chr16:2,114,508, G>A on the plus strand (C>T on the coding strand, the complement: PKD1 is on the minus strand). VCF-style: chr16-2114508-G-A. GRCh37 (hg19) VCF-style: chr16-2164509-G-A.
Other names: p.Pro839Ser; c.2515C>T (NM_001009944.2); c.2515C>T, p.Pro839Ser (NM_000296.4); short protein forms P839S.
Identifiers: ClinVar variation 997162 (VCV000997162.5), dbSNP rs146651553, ClinGen allele CA7833184.